The following is an entry in ClinVar:

ClinVar aggregate classification (germline): Conflicting classifications of pathogenicity. Review status: criteria provided, conflicting classifications (1 of 4 stars). 2 submissions from 2 submitters: Uncertain significance (1); Benign (1). Last evaluated 2025-10-28.

Conditions:
Hereditary cancer-predisposing syndrome. Also called: Neoplastic Syndromes, Hereditary; Tumor predisposition; Hereditary neoplastic syndrome; Hereditary Cancer Syndrome. Identifiers: Orphanet 140162, MedGen C0027672, MeSH D009386, MONDO:0015356.
Fanconi anemia complementation group O. Also called: RAD51C-Related Fanconi Anemia. Identifiers: Orphanet 84, MedGen C3150653, MONDO:0013248, OMIM 613390.

Allele frequency attached by ClinVar (database versions not stated): gnomAD exomes below 0.00001.
gnomAD v4.1: 1 of 1,612,338 alleles (0.000062%); highest among the groups gnomAD compares: Admixed American, 0.0017%; no homozygotes.

Submissions (2):

Ambry Genetics
Classification: Benign for Hereditary cancer-predisposing syndrome. Last evaluated: 2025-10-28. Review status: criteria provided, single submitter. Criteria: Ambry Variant Classification Scheme 2023. Collection method: clinical testing. Allele origin: germline.

Labcorp Genetics (formerly Invitae), Labcorp
Classification: Uncertain significance for Fanconi anemia complementation group O. Last evaluated: 2025-06-14. Review status: criteria provided, single submitter. Criteria: Invitae Variant Classification Sherloc (09022015). Collection method: clinical testing. Allele origin: germline.
Comment: This sequence change replaces threonine, which is neutral and polar, with serine, which is neutral and polar, at codon 259 of the RAD51C protein (p.Thr259Ser). This variant is present in population databases (no rsID available, gnomAD no frequency). This variant has not been reported in the literature in individuals affected with RAD51C-related conditions. ClinVar contains an entry for this variant (Variation ID: 1760532). Invitae Evidence Modeling of protein sequence and biophysical properties (such as structural, functional, and spatial information, amino acid conservation, physicochemical variation, residue mobility, and thermodynamic stability) indicates that this missense variant is not expected to disrupt RAD51C protein function with a negative predictive value of 80%. In summary, the available evidence is currently insufficient to determine the role of this variant in disease. Therefore, it has been classified as a Variant of Uncertain Significance.

NM_058216.3(RAD51C):c.776C>G (p.Thr259Ser)

Gene: RAD51C (RAD51 paralog C; plus strand). Cytogenetic location: 17q22.
Variant type: single nucleotide variant.
Coding change: c.776C>G on transcript NM_058216.3 (MANE Select); coding-DNA position 776, C replaced by G.
Protein change: p.Thr259Ser; replaces threonine 259 with serine.
Molecular consequence: missense variant. On other transcripts: non-coding transcript variant (1).
Genome position (GRCh38, 1-based): chr17:58,709,929, C>G. VCF-style: chr17-58709929-C-G. GRCh37 (hg19) VCF-style: chr17-56787290-C-G.
Other names: c.*204C>G (NM_058217.1); short protein forms T259S.
Identifiers: ClinVar variation 1760532 (VCV001760532.5), dbSNP rs1345932256, ClinGen allele CA400353909.